The following is an entry in ClinVar:

NM_025233.7(COASY):c.1587C>T (p.His529=)

Gene: COASY (Coenzyme A synthase; plus strand). Cytogenetic location: 17q21.2.
Variant type: single nucleotide variant.
Coding change: c.1587C>T on transcript NM_025233.7 (MANE Select); coding-DNA position 1587, C replaced by T.
Protein change: p.His529=; no amino-acid change (histidine 529 retained).
Molecular consequence: synonymous variant.
Genome position (GRCh38, 1-based): chr17:42,565,760, C>T. VCF-style: chr17-42565760-C-T. GRCh37 (hg19) VCF-style: chr17-40717778-C-T.
Other names: p.His529=; c.1587C>T, p.His529= (NM_001042529.3); c.1674C>T, p.His558= (NM_001042532.4).
Identifiers: ClinVar variation 380530 (VCV000380530.13), dbSNP rs151074271, ClinGen allele CA8578401.

ClinVar aggregate classification (germline): Benign. Review status: criteria provided, multiple submitters, no conflicts (2 of 4 stars). 4 submissions from 4 submitters: Benign (4). Last evaluated 2026-02-04.

Conditions:
Neurodegeneration with brain iron accumulation 6 (NBIA6). Also called: COASY protein-associated neurodegeneration. Identifiers: Orphanet 397725, MedGen C4517377, MONDO:0014290, OMIM 615643.

Allele frequency attached by ClinVar (database versions not stated): gnomAD exomes 0.00776; ExAC 0.00835; 1000 Genomes Project 30x 0.00859; 1000 Genomes Project 0.00938; gnomAD 0.00447 and 0.00522; TOPMed 0.00498; ESP Exome Variant Server 0.00577.
gnomAD v4.1: 12,400 of 1,613,942 alleles (0.77%); highest among the groups gnomAD compares: South Asian, 2.9%; 107 homozygotes.

Submissions (4):

Labcorp Genetics (formerly Invitae), Labcorp
Classification: Benign for Neurodegeneration with brain iron accumulation 6. Last evaluated: 2026-02-04. Review status: criteria provided, single submitter. Criteria: Invitae Variant Classification Sherloc (09022015). Collection method: clinical testing. Allele origin: germline.

Mayo Clinic Laboratories, Mayo Clinic
Classification: Benign. Last evaluated: 2023-12-19. Review status: criteria provided, single submitter. Criteria: ACMG Guidelines, 2015. Collection method: clinical testing. Allele origin: germline. Observed: 3 variant alleles.
Comment: BA1

GeneDx
Classification: Benign. Last evaluated: 2016-08-11. Review status: criteria provided, single submitter. Criteria: GeneDx Variant Classification (06012015). Collection method: clinical testing. Allele origin: germline. Affected: yes.
Comment: This variant is considered likely benign or benign based on one or more of the following criteria: it is a conservative change, it occurs at a poorly conserved position in the protein, it is predicted to be benign by multiple in silico algorithms, and/or has population frequency not consistent with disease.

Breakthrough Genomics
Classification: Benign. Review status: criteria provided, single submitter. Criteria: ACMG Guidelines, 2015. Collection method: not provided. Allele origin: germline. Inheritance: Autosomal recessive inheritance. Affected: yes.